The following is an entry in ClinVar:

ClinVar aggregate classification (germline): Pathogenic. Review status: criteria provided, single submitter (1 of 4 stars). 4 submissions from 4 submitters: Pathogenic (1). 3 of the submissions do not count toward it. Last evaluated 2024-02-24.

Conditions:
Short stature and advanced bone age, with or without early-onset osteoarthritis and/or osteochondritis dissecans (SSOAOD). Identifiers: Orphanet 251262, MedGen C3665488, MONDO:0100462, OMIM 165800.

Submissions (4):

Labcorp Genetics (formerly Invitae), Labcorp
Classification: Pathogenic. Last evaluated: 2024-02-24. Review status: criteria provided, single submitter. Criteria: Invitae Variant Classification Sherloc (09022015). Collection method: clinical testing. Allele origin: germline.
Comment: This sequence change creates a premature translational stop signal (p.Tyr536*) in the ACAN gene. It is expected to result in an absent or disrupted protein product. Loss-of-function variants in ACAN are known to be pathogenic (PMID: 16080123, 24762113). This variant is not present in population databases (gnomAD no frequency). This premature translational stop signal has been observed in individual(s) with autosomal dominant ACAN-related conditions (PMID: 27710243, 29464738). ClinVar contains an entry for this variant (Variation ID: 1328336). For these reasons, this variant has been classified as Pathogenic.

Autoinflammatory diseases unit, CHU de Montpellier
Classification: Pathogenic for Short stature and advanced bone age, with or without early-onset osteoarthritis and/or osteochondritis dissecans. Last evaluated: 2024-03-29. Review status: no assertion criteria provided. Collection method: clinical testing. Allele origin: unknown. Affected: yes. Not counted in ClinVar's aggregate classification.

Joint Genome Diagnostic Labs from Nijmegen and Maastricht, Radboudumc and MUMC+
Classification: Pathogenic. Review status: no assertion criteria provided. Collection method: clinical testing. Allele origin: germline. Affected: yes. Study: VKGL Data-share Consensus. Not counted in ClinVar's aggregate classification.

Laboratory of Diagnostic Genome Analysis, Leiden University Medical Center (LUMC)
Classification: Pathogenic. Review status: no assertion criteria provided. Collection method: clinical testing. Allele origin: germline. Affected: yes. Study: VKGL Data-share Consensus. Not counted in ClinVar's aggregate classification.

Literature cited by the submitters: PubMed 16080123 (cited by Labcorp Genetics (formerly Invitae), Labcorp); PubMed 24762113 (cited by Labcorp Genetics (formerly Invitae), Labcorp); PubMed 27710243 (cited by Labcorp Genetics (formerly Invitae), Labcorp); PubMed 29464738 (cited by Labcorp Genetics (formerly Invitae), Labcorp).

NM_001369268.1(ACAN):c.1608C>A (p.Tyr536Ter)

Gene: ACAN (aggrecan; plus strand). Cytogenetic location: 15q26.1.
Variant type: single nucleotide variant.
Coding change: c.1608C>A on transcript NM_001369268.1 (MANE Select); coding-DNA position 1608, C replaced by A.
Protein change: p.Tyr536Ter; replaces tyrosine 536 with a stop codon.
Molecular consequence: nonsense.
Genome position (GRCh38, 1-based): chr15:88,847,914, C>A. VCF-style: chr15-88847914-C-A. GRCh37 (hg19) VCF-style: chr15-89391145-C-A.
Other names: c.1608C>A, p.Tyr536Ter (NM_001135.4, NM_013227.4); c.1608C>A (NM_013227.3); short protein forms Y536*.
Identifiers: ClinVar variation 1328336 (VCV001328336.10), dbSNP rs2141587301, ClinGen allele CA393710869.
Genomic context (GRCh38, chr15:88,847,914, plus strand): 5'-TGCATCTACCAGCCCCTGGAACAGGCCTTCATCTTCTCCTCCCACTCTCCTTTGCAGATA[C>A]CCCATTGTGAGCCCCCGGACCCCATGCGTGGGTGACAAGGACAGCAGCCCAGGGGTCAGG-3'